The following is an entry in ClinVar:

ClinVar aggregate classification (germline): Uncertain significance. Review status: criteria provided, single submitter (1 of 4 stars). 2 submissions from 2 submitters: Uncertain significance (1). 1 of the submissions does not count toward it. Last evaluated 2023-10-01.

Allele frequency attached by ClinVar (database versions not stated): gnomAD 0.00004; TOPMed 0.00006; ESP Exome Variant Server 0.00008; gnomAD exomes 0.00008 and 0.00012; ExAC 0.00009.
gnomAD v4.1: 131 of 1,610,566 alleles (0.0081%); highest among the groups gnomAD compares: South Asian, 0.0077%; no homozygotes.

Submissions (2):

CeGaT Center for Human Genetics Tuebingen
Classification: Uncertain significance. Last evaluated: 2023-10-01. Review status: criteria provided, single submitter. Criteria: CeGaT Center For Human Genetics Tuebingen Variant Classification Criteria Version 2. Collection method: clinical testing. Allele origin: germline. Affected: yes. Observed: 2 variant alleles.
Comment: PKD1: PM2, BP4

Department of Pathology and Laboratory Medicine, Sinai Health System
Classification: Uncertain significance. Review status: no assertion criteria provided. Collection method: clinical testing. Allele origin: unknown. Affected: yes. Study: The Canadian Open Genetics Repository (COGR). Not counted in ClinVar's aggregate classification.
Comment: The PKD1 p.Val1383Ile variant was not identified in the literature nor was it identified in ClinVar, LOVD 3.0, ADPKD Mutation Database, or PKD1-LOVD. The variant was identified in dbSNP (ID: rs201627517) and in control databases in 31 of 278574 chromosomes at a frequency of 0.000111 (Genome Aggregation Database Feb 27, 2017). The variant was observed in the following populations: Ashkenazi Jewish in 24 of 10226 chromosomes (freq: 0.002347), Other in 1 of 7136 chromosomes (freq: 0.00014) and European (non-Finnish) in 6 of 126268 chromosomes (freq: 0.000048), but was not observed in the African, Latino, East Asian, European (Finnish) or South Asian populations. In addition we cannot be certain that data from control databases is specific to PKD1 and not from one of the six PKD1 pseudogenes. The p.Val1383 residue is not conserved in mammals and computational analyses (SIFT, AlignGVGD, BLOSUM, MutationTaster) do not suggest a high likelihood of impact to the protein; however, this information is not predictive enough to rule out pathogenicity. The variant occurs outside of the splicing consensus sequence and in silico or computational prediction software programs (SpliceSiteFinder, MaxEntScan, NNSPLICE, GeneSplicer) do not predict a difference in splicing. In summary, based on the above information the clinical significance of this variant cannot be determined with certainty at this time. This variant is classified as a variant of uncertain significance.

NM_001009944.3(PKD1):c.4147G>A (p.Val1383Ile)

Gene: PKD1 (polycystin 1, transient receptor potential channel interacting; minus strand). Cytogenetic location: 16p13.3.
Variant type: single nucleotide variant.
Coding change: c.4147G>A on transcript NM_001009944.3 (MANE Select); coding-DNA position 4147, G replaced by A.
Protein change: p.Val1383Ile; replaces valine 1383 with isoleucine.
Molecular consequence: missense variant.
Genome position (GRCh38, 1-based): chr16:2,111,020, C>T on the plus strand (G>A on the coding strand, the complement: PKD1 is on the minus strand). VCF-style: chr16-2111020-C-T. GRCh37 (hg19) VCF-style: chr16-2161021-C-T.
Other names: c.4147G>A, p.Val1383Ile (NM_000296.4); short protein forms V1383I.
Identifiers: ClinVar variation 1049199 (VCV001049199.25), dbSNP rs201627517, ClinGen allele CA7832475.